The following is an entry in ClinVar:

NM_024529.5(CDC73):c.83G>A (p.Gly28Glu)

Gene: CDC73 (cell division cycle 73; plus strand). Cytogenetic location: 1q31.2.
Variant type: single nucleotide variant.
Coding change: c.83G>A on transcript NM_024529.5 (MANE Select); coding-DNA position 83, G replaced by A.
Protein change: p.Gly28Glu; replaces glycine 28 with glutamic acid.
Molecular consequence: missense variant.
Genome position (GRCh38, 1-based): chr1:193,122,283, G>A. VCF-style: chr1-193122283-G-A. GRCh37 (hg19) VCF-style: chr1-193091413-G-A.
Other names: short protein forms G28E.
Identifiers: ClinVar variation 1719292 (VCV001719292.7), dbSNP rs1054465259, ClinGen allele CA343972907.

ClinVar aggregate classification (germline): Uncertain significance. Review status: criteria provided, multiple submitters, no conflicts (2 of 4 stars). 2 submissions from 2 submitters: Uncertain significance (2). Last evaluated 2026-01-12.

Conditions:
Hereditary cancer-predisposing syndrome. Also called: Tumor predisposition; Hereditary Cancer Syndrome; Hereditary neoplastic syndrome; Neoplastic Syndromes, Hereditary. Identifiers: Orphanet 140162, MedGen C0027672, MeSH D009386, MONDO:0015356.
Parathyroid carcinoma (PRTC). Also called: Parathyroid gland carcinoma; CDC73-Related Parathyroid Carcinoma. Identifiers: Orphanet 143, MedGen C0687150, MONDO:0012004, OMIM 608266, HP:0006780.

Submissions (2):

Ambry Genetics
Classification: Uncertain significance for Hereditary cancer-predisposing syndrome. Last evaluated: 2026-01-12. Review status: criteria provided, single submitter. Criteria: Ambry Variant Classification Scheme 2023. Collection method: clinical testing. Allele origin: germline.
Comment: The p.G28E variant (also known as c.83G>A), located in coding exon 1 of the CDC73 gene, results from a G to A substitution at nucleotide position 83. The glycine at codon 28 is replaced by glutamic acid, an amino acid with similar properties. This amino acid position is conserved. In addition, this alteration is predicted to be deleterious by in silico analysis. Based on the available evidence, the clinical significance of this variant remains unclear.

Labcorp Genetics (formerly Invitae), Labcorp
Classification: Uncertain significance for Parathyroid carcinoma. Last evaluated: 2022-09-13. Review status: criteria provided, single submitter. Criteria: Invitae Variant Classification Sherloc (09022015). Collection method: clinical testing. Allele origin: germline.
Comment: In summary, the available evidence is currently insufficient to determine the role of this variant in disease. Therefore, it has been classified as a Variant of Uncertain Significance. Advanced modeling of protein sequence and biophysical properties (such as structural, functional, and spatial information, amino acid conservation, physicochemical variation, residue mobility, and thermodynamic stability) performed at Invitae indicates that this missense variant is expected to disrupt CDC73 protein function. This variant has not been reported in the literature in individuals affected with CDC73-related conditions. This variant is not present in population databases (gnomAD no frequency). This sequence change replaces glycine, which is neutral and non-polar, with glutamic acid, which is acidic and polar, at codon 28 of the CDC73 protein (p.Gly28Glu).